The following is an entry in ClinVar:

ClinVar aggregate classification (germline): Conflicting classifications of pathogenicity. Review status: criteria provided, conflicting classifications (1 of 4 stars). 6 submissions from 6 submitters: Uncertain significance (3); Likely benign (1). 2 of the submissions do not count toward it. Last evaluated 2025-11-01.

Conditions:
Cardiovascular phenotype. Identifiers: MedGen CN230736.
Dilated cardiomyopathy 1G (CMD1G). Identifiers: Orphanet 154, MedGen C1858763, MONDO:0011400, OMIM 604145.
Autosomal recessive limb-girdle muscular dystrophy type 2J (LGMDR10). Also called: MUSCULAR DYSTROPHY, LIMB-GIRDLE, AUTOSOMAL RECESSIVE 10; Limb-girdle muscular dystrophy, type 2J. Identifiers: Orphanet 140922, MedGen C1837342, MONDO:0012127, OMIM 608807.
Cardiomyopathy (CMYO). Also called: Cardiomyopathies. Identifiers: Orphanet 167848, MedGen C0878544, MONDO:0004994, HP:0001638. Inheritance: Various modes of inheritance.

Allele frequency attached by ClinVar (database versions not stated): gnomAD 0.00001; gnomAD exomes 0.00001; TOPMed 0.00002.
gnomAD v4.1: 22 of 1,613,844 alleles (0.0014%); highest among the groups gnomAD compares: Non-Finnish European, 0.0018%; no homozygotes.

Submissions (6):

Labcorp Genetics (formerly Invitae), Labcorp
Classification: Uncertain significance for Dilated cardiomyopathy 1G; Autosomal recessive limb-girdle muscular dystrophy type 2J. Last evaluated: 2025-11-01. Review status: criteria provided, single submitter. Criteria: Invitae Variant Classification Sherloc (09022015). Collection method: clinical testing. Allele origin: germline.
Comment: This sequence change replaces threonine, which is neutral and polar, with asparagine, which is neutral and polar, at codon 34261 of the TTN protein (p.Thr34261Asn). This variant is present in population databases (no rsID available, gnomAD 0.003%). This missense change has been observed in individual(s) with clinical features of TTN-related conditions (PMID: 23975875). ClinVar contains an entry for this variant (Variation ID: 1020927). Experimental studies and prediction algorithms are not available or were not evaluated, and the functional significance of this variant is currently unknown. This variant is located in the M band of TTN (PMID: 25589632). Non-truncating variants in this region may be relevant for neuromuscular disorders, but have not been definitively shown to cause cardiomyopathy (PMID: 23975875). In summary, the available evidence is currently insufficient to determine the role of this variant in disease. Therefore, it has been classified as a Variant of Uncertain Significance.

Mayo Clinic Laboratories, Mayo Clinic
Classification: Uncertain significance. Last evaluated: 2024-11-14. Review status: criteria provided, single submitter. Criteria: ACMG Guidelines, 2015. Collection method: clinical testing. Allele origin: germline. Observed: 1 variant allele.

CHEO Genetics Diagnostic Laboratory, Children's Hospital of Eastern Ontario
Classification: Likely benign for Cardiomyopathy. Last evaluated: 2023-05-03. Review status: criteria provided, single submitter. Criteria: ACMG Guidelines, 2015. Collection method: clinical testing. Allele origin: germline.

Ambry Genetics
Classification: Uncertain significance for Cardiovascular phenotype. Last evaluated: 2020-05-28. Review status: criteria provided, single submitter. Criteria: Ambry Variant Classification Scheme 2023. Collection method: clinical testing. Allele origin: germline.
Comment: The p.T25196N variant (also known as c.75587C>A), located in coding exon 185 of the TTN gene, results from a C to A substitution at nucleotide position 75587. The threonine at codon 25196 is replaced by asparagine, an amino acid with similar properties. This amino acid position is highly conserved in available vertebrate species. In addition, this alteration is predicted to be tolerated by in silico analysis. Since supporting evidence is limited at this time, the clinical significance of this alteration remains unclear.

Clinical Genetics DNA and cytogenetics Diagnostics Lab, Erasmus MC, Erasmus Medical Center
Classification: Uncertain significance. Review status: no assertion criteria provided. Collection method: clinical testing. Allele origin: germline. Affected: yes. Study: VKGL Data-share Consensus. Not counted in ClinVar's aggregate classification.

Clinical Genetics, Academic Medical Center
Classification: Uncertain significance. Review status: no assertion criteria provided. Collection method: clinical testing. Allele origin: germline. Affected: yes. Study: VKGL Data-share Consensus. Not counted in ClinVar's aggregate classification.

Literature cited by the submitters: PubMed 23975875 (cited by Labcorp Genetics (formerly Invitae), Labcorp); PubMed 25589632 (cited by Labcorp Genetics (formerly Invitae), Labcorp); PubMed 31983221 (cited by Mayo Clinic Laboratories, Mayo Clinic).

NM_001267550.2(TTN):c.102782C>A (p.Thr34261Asn)

Genes: TTN-AS1 (TTN antisense RNA 1; plus strand), TTN (titin; minus strand). Cytogenetic location: 2q31.2.
Variant type: single nucleotide variant.
Coding change: c.102782C>A on transcript NM_001267550.2 (MANE Select); coding-DNA position 102782, C replaced by A.
Protein change: p.Thr34261Asn; replaces threonine 34261 with asparagine.
Molecular consequence: missense variant.
Genome position (GRCh38, 1-based): chr2:178,533,833, G>T on the plus strand (C>A on the coding strand, the complement: TTN is on the minus strand). VCF-style: chr2-178533833-G-T. GRCh37 (hg19) VCF-style: chr2-179398560-G-T.
Other names: p.Thr31693Asn; c.97859C>A, p.Thr32620Asn (NM_001256850.1); c.75587C>A, p.Thr25196Asn (NM_003319.4); c.95078C>A, p.Thr31693Asn (NM_133378.4); c.75962C>A, p.Thr25321Asn (NM_133432.3); c.76163C>A, p.Thr25388Asn (NM_133437.4); short protein forms T25196N, T25321N, T25388N, T31693N, T32620N, T34261N.
Identifiers: ClinVar variation 1020927 (VCV001020927.16), dbSNP rs985229219, ClinGen allele CA60958946.